The following is an entry in ClinVar:

ClinVar aggregate classification (germline): Pathogenic/Likely pathogenic. Review status: criteria provided, multiple submitters, no conflicts (2 of 4 stars). 4 submissions from 4 submitters: Pathogenic (1); Likely pathogenic (3). Last evaluated 2025-08-20.

Conditions:
Neuronopathy, distal hereditary motor, autosomal recessive 10 (HMNR10). Also called: NEUROPATHY, DISTAL HEREDITARY MOTOR, AUTOSOMAL RECESSIVE 10; VRK1-RELATED MOTOR NEURON DISEASE. Identifiers: MedGen C5882703, MONDO:0957876, OMIM 620542.
Pontocerebellar hypoplasia type 1A (PCH1A). Also called: PONTOCEREBELLAR HYPOPLASIA WITH ANTERIOR HORN CELL DISEASE; PONTOCEREBELLAR HYPOPLASIA WITH INFANTILE SPINAL MUSCULAR ATROPHY. Identifiers: Orphanet 2254, Orphanet 88616, MedGen C1843504, MONDO:0011866, OMIM 607596.

Submissions (4):

Natera, Inc.
Classification: Likely pathogenic for Pontocerebellar hypoplasia, type 1a. Last evaluated: 2025-08-20. Review status: criteria provided, single submitter. Criteria: Natera Variant Classification Schema (03/2026). Collection method: clinical testing. Allele origin: germline.
Comment: The c.883_886delAAAC variant in VRK1 is a frameshift variant predicted to shift the reading frame beginning at codon 295 and leads to a stop codon 11 codons downstream. This variant is expected to result in nonsense mediated decay, truncation, or a dysfunctional protein product. This variant is rare in the general population with a frequency below the threshold expected for the associated phenotype(s). Given the available evidence, this variant is classified as Likely Pathogenic.

Labcorp Genetics (formerly Invitae), Labcorp
Classification: Pathogenic for Pontocerebellar hypoplasia type 1A. Last evaluated: 2024-08-11. Review status: criteria provided, single submitter. Criteria: Invitae Variant Classification Sherloc (09022015). Collection method: clinical testing. Allele origin: germline.
Comment: This sequence change creates a premature translational stop signal (p.Lys295Glnfs*11) in the VRK1 gene. It is expected to result in an absent or disrupted protein product. Loss-of-function variants in VRK1 are known to be pathogenic (PMID: 19646678, 24126608, 27281532). This variant is present in population databases (rs779282547, gnomAD 0.003%). This variant has not been reported in the literature in individuals affected with VRK1-related conditions. ClinVar contains an entry for this variant (Variation ID: 464942). For these reasons, this variant has been classified as Pathogenic.

Fulgent Genetics
Classification: Likely pathogenic for Pontocerebellar hypoplasia type 1A; Neuronopathy, distal hereditary motor, autosomal recessive 10. Last evaluated: 2024-03-29. Review status: criteria provided, single submitter. Criteria: ACMG Guidelines, 2015. Collection method: clinical testing. Allele origin: germline.

GeneDx
Classification: Likely pathogenic. Last evaluated: 2019-06-26. Review status: criteria provided, single submitter. Criteria: GeneDx Variant Classification Process June 2021. Collection method: clinical testing. Allele origin: germline. Affected: yes.
Comment: Frameshift variant predicted to result in protein truncation or nonsense mediated decay in a gene for which loss-of-function is a known mechanism of disease; Not observed at a significant frequency in large population cohorts (Lek et al., 2016); Has not been previously published as pathogenic or benign to our knowledge

Literature cited by the submitters: PubMed 19646678 (cited by Labcorp Genetics (formerly Invitae), Labcorp); PubMed 24126608 (cited by Labcorp Genetics (formerly Invitae), Labcorp); PubMed 27281532 (cited by Labcorp Genetics (formerly Invitae), Labcorp).

NM_003384.3(VRK1):c.883_886del (p.Lys295fs)

Gene: VRK1 (VRK serine/threonine kinase 1; plus strand). Cytogenetic location: 14q32.2.
Variant type: Microsatellite.
Coding change: c.883_886del on transcript NM_003384.3 (MANE Select); coding-DNA positions 883 to 886, 4 bases deleted (AAAC; older notation c.883_886delAAAC).
Protein change: p.Lys295fs; shifts the reading frame from lysine 295.
Molecular consequence: frameshift variant.
Genome position (GRCh38, 1-based): chr14:96,856,580-96,856,583, AAAC deleted; deleting any 4 consecutive bases within chr14:96,856,576-96,856,583 gives the same sequence; the c. name uses the placement nearest the transcript's 3' end. VCF-style (leftmost placement, unchanged base first): chr14-96856575-AAAAC-A. GRCh37 (hg19) VCF-style: chr14-97322912-AAAAC-A.
Other names: c.883_886delAAAC (NM_003384.2); short protein forms K295fs.
Identifiers: ClinVar variation 464942 (VCV000464942.14), dbSNP rs779282547, ClinGen allele CA7339106.